The following is an entry in ClinVar:

NM_000321.3(RB1):c.947A>G (p.Asn316Ser)

Gene: RB1 (RB transcriptional corepressor 1; plus strand). Cytogenetic location: 13q14.2.
Variant type: single nucleotide variant.
Coding change: c.947A>G on transcript NM_000321.3 (MANE Select); coding-DNA position 947, A replaced by G.
Protein change: p.Asn316Ser; replaces asparagine 316 with serine.
Molecular consequence: missense variant.
Genome position (GRCh38, 1-based): chr13:48,367,501, A>G. VCF-style: chr13-48367501-A-G. GRCh37 (hg19) VCF-style: chr13-48941637-A-G.
Other names: short protein forms N316S.
Identifiers: ClinVar variation 1404400 (VCV001404400.10), dbSNP rs2138120959, ClinGen allele CA388160594.

ClinVar aggregate classification (germline): Conflicting classifications of pathogenicity. Review status: criteria provided, conflicting classifications (1 of 4 stars). 3 submissions from 3 submitters: Uncertain significance (2); Likely benign (1). Last evaluated 2026-01-27.

Conditions:
Hereditary cancer-predisposing syndrome. Also called: Hereditary neoplastic syndrome; Hereditary Cancer Syndrome; Neoplastic Syndromes, Hereditary; Tumor predisposition. Identifiers: Orphanet 140162, MedGen C0027672, MeSH D009386, MONDO:0015356.
Retinoblastoma (RB1). Also called: RETINOBLASTOMA, SOMATIC. Identifiers: Orphanet 790, MedGen C0035335, MeSH D012175, MONDO:0008380, OMIM 180200, HP:0009919. Disease mechanism: loss of function. Inheritance: Both sporadic and heritable forms are tested..

Allele frequency attached by ClinVar (database versions not stated): gnomAD exomes 0.00001.
gnomAD v4.1: 3 of 1,603,222 alleles (0.00019%); highest among the groups gnomAD compares: Non-Finnish European, 0.00026%; no homozygotes.

Submissions (3):

Labcorp Genetics (formerly Invitae), Labcorp
Classification: Uncertain significance for Retinoblastoma. Last evaluated: 2026-01-27. Review status: criteria provided, single submitter. Criteria: Invitae Variant Classification Sherloc (09022015). Collection method: clinical testing. Allele origin: germline.
Comment: This sequence change replaces asparagine, which is neutral and polar, with serine, which is neutral and polar, at codon 316 of the RB1 protein (p.Asn316Ser). This variant is not present in population databases (gnomAD no frequency). This variant has not been reported in the literature in individuals affected with RB1-related conditions. ClinVar contains an entry for this variant (Variation ID: 1404400). Invitae Evidence Modeling of protein sequence and biophysical properties (such as structural, functional, and spatial information, amino acid conservation, physicochemical variation, residue mobility, and thermodynamic stability) indicates that this missense variant is not expected to disrupt RB1 protein function with a negative predictive value of 80%. In summary, the available evidence is currently insufficient to determine the role of this variant in disease. Therefore, it has been classified as a Variant of Uncertain Significance.

Color Diagnostics, LLC DBA Color Health
Classification: Uncertain significance for Retinoblastoma. Last evaluated: 2025-09-23. Review status: criteria provided, single submitter. Criteria: ACMG Guidelines, 2015. Collection method: clinical testing. Allele origin: germline.
Comment: This missense variant replaces asparagine with serine at codon 316 of the RB1 protein. Computational prediction suggests that this variant may not impact protein structure and function. To our knowledge, functional studies have not been reported for this variant. This variant has not been reported in individuals affected with RB1-related disorders in the literature. This variant has not been identified in the general population by the Genome Aggregation Database (gnomAD). The available evidence is insufficient to determine the role of this variant in disease conclusively. Therefore, this variant is classified as a Variant of Uncertain Significance.

Ambry Genetics
Classification: Likely benign for Hereditary cancer-predisposing syndrome. Last evaluated: 2021-02-24. Review status: criteria provided, single submitter. Criteria: Ambry Variant Classification Scheme 2023. Collection method: clinical testing. Allele origin: germline.